The following is an entry in ClinVar:

NM_001378615.1(CC2D2A):c.4371del (p.Arg1458fs)

Genes: CC2D2A (coiled-coil and C2 domain containing 2A; plus strand), FBXL5 (F-box and leucine rich repeat protein 5; minus strand). Cytogenetic location: 4p15.32.
Variant type: Deletion.
Coding change: c.4371del on transcript NM_001378615.1 (MANE Select); coding-DNA position 4371, one base deleted (C; older notation c.4371delC).
Protein change: p.Arg1458fs; shifts the reading frame from arginine 1458.
Molecular consequence: frameshift variant.
Genome position (GRCh38, 1-based): chr4:15,596,141, C deleted; the last of 2 consecutive C bases (chr4:15,596,140-15,596,141); deleting either gives the same sequence. VCF-style (leftmost placement, unchanged base first): chr4-15596139-AC-A. GRCh37 (hg19) VCF-style: chr4-15597762-AC-A.
Other names: c.4371del, p.Arg1458fs (NM_001080522.2); c.4224del, p.Arg1409fs (NM_001378617.1); short protein forms R1409fs, R1458fs.
Identifiers: ClinVar variation 5013361 (VCV005013361.1).

ClinVar aggregate classification (germline): Pathogenic (1 of 4 stars; one submission).

Conditions:
Joubert syndrome and related disorders. Identifiers: Orphanet 140874, MedGen C5679612, MONDO:0015369.

Submission:

Myriad Genetics, Inc.
Classification: Pathogenic for Joubert syndrome and related disorders. Last evaluated: 2024-07-25. Review status: criteria provided, single submitter. Criteria: Myriad Autosomal Dominant, Autosomal Recessive and X-Linked Classification Criteria (2023). Collection method: clinical testing. Allele origin: unknown.
Comment: NM_001080522.2(CC2D2A):c.4371delC(R1458Gfs*26) is expected to be pathogenic in the context of CC2D2A-related disorders. This variant is predicted to lead to an abnormal or absent protein product due to the creation of a premature termination codon in CC2D2A, a gene where loss-of-function variants are known to be pathogenic. Please note: this variant was assessed in the context of healthy population screening.